The following is an entry in ClinVar:

ClinVar aggregate classification (germline): Uncertain significance (1 of 4 stars; one submission).

Submission:

Labcorp Genetics (formerly Invitae), Labcorp
Classification: Uncertain significance. Last evaluated: 2023-11-18. Review status: criteria provided, single submitter. Criteria: Invitae Variant Classification Sherloc (09022015). Collection method: clinical testing. Allele origin: germline.
Comment: This sequence change replaces tyrosine, which is neutral and polar, with phenylalanine, which is neutral and non-polar, at codon 1865 of the POLE protein (p.Tyr1865Phe). This variant is not present in population databases (gnomAD no frequency). This variant has not been reported in the literature in individuals affected with POLE-related conditions. Advanced modeling of protein sequence and biophysical properties (such as structural, functional, and spatial information, amino acid conservation, physicochemical variation, residue mobility, and thermodynamic stability) performed at Invitae indicates that this missense variant is not expected to disrupt POLE protein function with a negative predictive value of 80%. In summary, the available evidence is currently insufficient to determine the role of this variant in disease. Therefore, it has been classified as a Variant of Uncertain Significance.

NM_006231.4(POLE):c.5594A>T (p.Tyr1865Phe)

Gene: POLE (DNA polymerase epsilon, catalytic subunit; minus strand). Cytogenetic location: 12q24.33.
Variant type: single nucleotide variant.
Coding change: c.5594A>T on transcript NM_006231.4 (MANE Select); coding-DNA position 5594, A replaced by T.
Protein change: p.Tyr1865Phe; replaces tyrosine 1865 with phenylalanine.
Molecular consequence: missense variant.
Genome position (GRCh38, 1-based): chr12:132,638,098, T>A on the plus strand (A>T on the coding strand, the complement: POLE is on the minus strand). VCF-style: chr12-132638098-T-A. GRCh37 (hg19) VCF-style: chr12-133214684-T-A.
Other names: short protein forms Y1865F.
Identifiers: ClinVar variation 2857390 (VCV002857390.3), dbSNP rs2138501725, ClinGen allele CA387374139.